The following is an entry in ClinVar:

NM_000671.4(ADH5):c.534C>T (p.Thr178=)

Gene: ADH5 (alcohol dehydrogenase 5 (class III), chi polypeptide; minus strand). Cytogenetic location: 4q23.
Variant type: single nucleotide variant.
Coding change: c.534C>T on transcript NM_000671.4 (MANE Select); coding-DNA position 534, C replaced by T.
Protein change: p.Thr178=; no amino-acid change (threonine 178 retained).
Molecular consequence: synonymous variant.
Genome position (GRCh38, 1-based): chr4:99,076,734, G>A on the plus strand (C>T on the coding strand, the complement: ADH5 is on the minus strand). VCF-style: chr4-99076734-G-A. GRCh37 (hg19) VCF-style: chr4-99997885-G-A.
Identifiers: ClinVar variation 4083803 (VCV004083803.9).
Genomic context (GRCh38, chr4:99,076,734, plus strand): 5'-AGAAGCAAAAAACCCAAGTCAGTCTCTTACCTTGGCAGTGTTCACAGCAGCACCATAACC[G>A]GTTGAAATGCCACAACCTAGAAGGCAGACTTTATCCAAAGGTGCTAAAGGATCTATTTTA-3'
Protein context (NP_000662.3, residues 168-188): KVCLLGCGIS[Thr178=]GYGAAVNTAK

ClinVar aggregate classification (germline): Likely benign. Review status: criteria provided, multiple submitters, no conflicts (2 of 4 stars). 2 submissions from 2 submitters: Likely benign (2). Last evaluated 2026-07-01.

gnomAD v4.1: 2,318 of 1,613,938 alleles (0.14%); highest among the groups gnomAD compares: Admixed American, 0.41%; 5 homozygotes.

Submissions (2):

CeGaT Center for Human Genetics Tuebingen
Classification: Likely benign. Last evaluated: 2026-07-01. Review status: criteria provided, single submitter. Criteria: CeGaT Center For Human Genetics Tuebingen Variant Classification Criteria Version 2. Collection method: clinical testing. Allele origin: germline. Affected: yes. Observed: 2 variant alleles.
Comment: ADH5: BP4, BP7

Blueprint Genetics
Classification: Likely benign. Last evaluated: 2024-10-30. Review status: criteria provided, single submitter. Criteria: ACMG Guidelines, 2015. Collection method: clinical testing. Allele origin: germline.